The following is an entry in ClinVar:

NM_002427.4(MMP13):c.1187T>C (p.Leu396Pro)

Gene: MMP13 (matrix metallopeptidase 13; minus strand). Cytogenetic location: 11q22.2.
Variant type: single nucleotide variant.
Coding change: c.1187T>C on transcript NM_002427.4 (MANE Select); coding-DNA position 1187, T replaced by C.
Protein change: p.Leu396Pro; replaces leucine 396 with proline.
Molecular consequence: missense variant.
Genome position (GRCh38, 1-based): chr11:102,947,915, A>G on the plus strand (T>C on the coding strand, the complement: MMP13 is on the minus strand). VCF-style: chr11-102947915-A-G. GRCh37 (hg19) VCF-style: chr11-102818644-A-G.
Other names: c.1187T>C (NM_002427.3); short protein forms L396P.
Identifiers: ClinVar variation 1897315 (VCV001897315.6), dbSNP rs1860540527, ClinGen allele CA382227221.

ClinVar aggregate classification (germline): Uncertain significance. Review status: criteria provided, multiple submitters, no conflicts (2 of 4 stars). 2 submissions from 2 submitters: Uncertain significance (2). Last evaluated 2023-12-07.

Allele frequency attached by ClinVar (database versions not stated): TOPMed 0.00001.

Submissions (2):

GeneDx
Classification: Uncertain significance. Last evaluated: 2023-12-07. Review status: criteria provided, single submitter. Criteria: GeneDx Variant Classification Process June 2021. Collection method: clinical testing. Allele origin: germline. Affected: yes.
Comment: Not observed at significant frequency in large population cohorts (gnomAD); In silico analysis supports that this missense variant has a deleterious effect on protein structure/function; Has not been previously published as pathogenic or benign to our knowledge

Labcorp Genetics (formerly Invitae), Labcorp
Classification: Uncertain significance. Last evaluated: 2022-07-14. Review status: criteria provided, single submitter. Criteria: Invitae Variant Classification Sherloc (09022015). Collection method: clinical testing. Allele origin: germline.
Comment: This sequence change replaces leucine, which is neutral and non-polar, with proline, which is neutral and non-polar, at codon 396 of the MMP13 protein (p.Leu396Pro). This variant is not present in population databases (gnomAD no frequency). This variant has not been reported in the literature in individuals affected with MMP13-related conditions. Algorithms developed to predict the effect of missense changes on protein structure and function (SIFT, PolyPhen-2, Align-GVGD) all suggest that this variant is likely to be disruptive. In summary, the available evidence is currently insufficient to determine the role of this variant in disease. Therefore, it has been classified as a Variant of Uncertain Significance.